The following is an entry in ClinVar:

ClinVar aggregate classification (germline): Uncertain significance (1 of 4 stars; one submission).

Conditions:
Peroxisome biogenesis disorder 2B (PBD2B). Identifiers: Orphanet 44, MedGen C3550234, MONDO:0008736, OMIM 202370.

Allele frequency attached by ClinVar (database versions not stated): gnomAD exomes 0.00001; ExAC 0.00002; gnomAD 0.00002; TOPMed 0.00005.
gnomAD v4.1: 6 of 1,613,470 alleles (0.00037%); highest among the groups gnomAD compares: African/African-American, 0.008%; no homozygotes.

Submission:

Labcorp Genetics (formerly Invitae), Labcorp
Classification: Uncertain significance for Peroxisome biogenesis disorder 2B. Last evaluated: 2022-09-19. Review status: criteria provided, single submitter. Criteria: Invitae Variant Classification Sherloc (09022015). Collection method: clinical testing. Allele origin: germline.
Comment: This sequence change replaces glycine, which is neutral and non-polar, with valine, which is neutral and non-polar, at codon 55 of the PEX5 protein (p.Gly55Val). This variant is present in population databases (rs752097814, gnomAD 0.01%). This variant has not been reported in the literature in individuals affected with PEX5-related conditions. ClinVar contains an entry for this variant (Variation ID: 569225). Algorithms developed to predict the effect of missense changes on protein structure and function (SIFT, PolyPhen-2, Align-GVGD) all suggest that this variant is likely to be tolerated. In summary, the available evidence is currently insufficient to determine the role of this variant in disease. Therefore, it has been classified as a Variant of Uncertain Significance.

NM_001351132.2(PEX5):c.164G>T (p.Gly55Val)

Gene: PEX5 (peroxisomal biogenesis factor 5; plus strand). Cytogenetic location: 12p13.31.
Variant type: single nucleotide variant.
Coding change: c.164G>T on transcript NM_001351132.2 (MANE Select); coding-DNA position 164, G replaced by T.
Protein change: p.Gly55Val; replaces glycine 55 with valine.
Molecular consequence: missense variant.
Genome position (GRCh38, 1-based): chr12:7,190,904, G>T. VCF-style: chr12-7190904-G-T. GRCh37 (hg19) VCF-style: chr12-7343500-G-T.
Other names: c.164G>T, p.Gly55Val (NM_000319.5, NM_001131024.2, NM_001131025.2 and 19 more transcripts); c.209G>T, p.Gly70Val (NM_001131023.2, NM_001351135.3, NM_001351138.2); short protein forms G55V, G70V.
Identifiers: ClinVar variation 569225 (VCV000569225.6), dbSNP rs752097814, ClinGen allele CA6426037.